The following is an entry in ClinVar:

ClinVar aggregate classification (germline): Pathogenic (1 of 4 stars; one submission).

Conditions:
Microcephaly, normal intelligence and immunodeficiency (NBS). Also called: IMMUNODEFICIENCY, MICROCEPHALY, AND CHROMOSOMAL INSTABILITY; SEEMANOVA SYNDROME II; Nijmegen breakage syndrome; Microcephaly with normal intelligence immunodeficiency and lymphoreticular malignancies; Nonsyndromal microcephaly autosomal recessive with normal intelligence; Seemanova syndrome 2. Identifiers: Orphanet 647, MedGen C0398791, MONDO:0009623, OMIM 251260.

Submission:

Myriad Genetics, Inc.
Classification: Pathogenic for Microcephaly, normal intelligence and immunodeficiency. Last evaluated: 2024-05-23. Review status: criteria provided, single submitter. Criteria: Myriad Autosomal Dominant, Autosomal Recessive and X-Linked Classification Criteria (2023). Collection method: clinical testing. Allele origin: unknown.
Comment: NM_002485.4(NBN):c.1593delT(I531Mfs*2) is expected to be pathogenic in the context of Nijmegen breakage syndrome. This variant is predicted to lead to an abnormal or absent protein product due to the creation of a premature termination codon in NBN, a gene where loss-of-function variants are known to be pathogenic. Please note: this variant was assessed in the context of healthy population screening.

NM_002485.5(NBN):c.1593del (p.Ile531fs)

Gene: NBN (nibrin; minus strand). Cytogenetic location: 8q21.3.
Variant type: Deletion.
Coding change: c.1593del on transcript NM_002485.5 (MANE Select); coding-DNA position 1593, one base deleted (T; older notation c.1593delT).
Protein change: p.Ile531fs; shifts the reading frame from isoleucine 531.
Molecular consequence: frameshift variant.
Genome position (GRCh38, 1-based): chr8:89,953,496, A deleted on the plus strand (T on the coding strand, the reverse complement: NBN is on the minus strand); the first of 2 consecutive A bases (chr8:89,953,496-89,953,497); deleting either gives the same sequence. VCF-style (leftmost placement, unchanged base first): chr8-89953495-CA-C. GRCh37 (hg19) VCF-style: chr8-90965723-CA-C.
Other names: c.1347del, p.Ile449fs (NM_001024688.3, NM_001440379.1, NM_001440380.1); short protein forms I449fs, I531fs.
Identifiers: ClinVar variation 5013095 (VCV005013095.1).
Genomic context (GRCh38, chr8:89,953,495, plus strand): 5'-CCCTTTTTTTATTTGATCTTAGCTTTTCTGCAGCATGAGATTTACTGGCAGAATTTTTCA[CA>C]ATAGATTTTAAATCTGTATCTGTAAATAAGTTATTGTCTGAGTTTGTGTCCACAGGCTCA-3'